The following is an entry in ClinVar:

ClinVar aggregate classification (germline): Uncertain significance (1 of 4 stars; one submission).

gnomAD v4.1: 5 of 1,612,058 alleles (0.00031%); highest among the groups gnomAD compares: Admixed American, 0.0017%; no homozygotes.

Submission:

GeneDx
Classification: Uncertain significance. Last evaluated: 2022-05-23. Review status: criteria provided, single submitter. Criteria: GeneDx Variant Classification Process June 2021. Collection method: clinical testing. Allele origin: germline. Affected: yes.
Comment: Nonsense variant predicted to result in protein truncation or nonsense mediated decay in a gene or region of a gene for which loss of function is not a well-established mechanism of disease; Has not been previously published as pathogenic or benign to our knowledge; Variants in candidate genes are classified as variants of uncertain significance in accordance with ACMG guidelines (Richards et al., 2015)

NM_018017.4(CCDC186):c.2104C>T (p.Arg702Ter)

Gene: CCDC186 (coiled-coil domain containing 186; minus strand). Cytogenetic location: 10q25.3.
Variant type: single nucleotide variant.
Coding change: c.2104C>T on transcript NM_018017.4 (MANE Select); coding-DNA position 2104, C replaced by T.
Protein change: p.Arg702Ter; replaces arginine 702 with a stop codon.
Molecular consequence: nonsense. On other transcripts: non-coding transcript variant (1).
Genome position (GRCh38, 1-based): chr10:114,129,969, G>A on the plus strand (C>T on the coding strand, the complement: CCDC186 is on the minus strand). VCF-style: chr10-114129969-G-A. GRCh37 (hg19) VCF-style: chr10-115889728-G-A.
Other names: c.2104C>T, p.Arg702Ter (NM_001321829.1); short protein forms R702*.
Identifiers: ClinVar variation 3342514 (VCV003342514.1).
Genomic context (GRCh38, chr10:114,129,969, plus strand): 5'-TTCCCATGCTGCTGACTTCTTTGTCATAGCTTCCACTCTCAACCTGATCTAATTTTCTTC[G>A]TGCTATAGGAAAAAGAAGATTATTCGTCACAATTATCAGGACCATTTGCTCCTACCATCT-3'